The following is an entry in ClinVar:

NM_025179.4(PLXNA2):c.1965C>T (p.Asn655=)

Gene: PLXNA2 (plexin A2; minus strand). Cytogenetic location: 1q32.2.
Variant type: single nucleotide variant.
Coding change: c.1965C>T on transcript NM_025179.4 (MANE Select); coding-DNA position 1965, C replaced by T.
Protein change: p.Asn655=; no amino-acid change (asparagine 655 retained).
Molecular consequence: synonymous variant.
Genome position (GRCh38, 1-based): chr1:208,096,046, G>A on the plus strand (C>T on the coding strand, the complement: PLXNA2 is on the minus strand). VCF-style: chr1-208096046-G-A. GRCh37 (hg19) VCF-style: chr1-208269391-G-A.
Identifiers: ClinVar variation 3357415 (VCV003357415.1).
Genomic context (GRCh38, chr1:208,096,046, plus strand): 5'-CACATCCAGACCCAGAGCAAGACCCTTTCTAATAAGCACTTACAGTTGGTGGGCACTGCA[G>A]TTGTAAAACTTGAACTCGGTGCTGACAAATATCTTCCCTGTCTCCTTGGACCTCAGCTGT-3'
Protein context (NP_079455.3, residues 645-665): IFVSTEFKFY[Asn655=]CSAHQLCLSC

ClinVar aggregate classification (germline): Likely benign (0 of 4 stars; one submission).

Conditions:
PLXNA2-related disorder. Also called: PLXNA2-related condition.

gnomAD v4.1: 2 of 1,613,652 alleles (0.00012%); highest among the groups gnomAD compares: Admixed American, 0.0017%; no homozygotes.

Submission:

PreventionGenetics, part of Exact Sciences
Classification: Likely benign for PLXNA2-related condition. Last evaluated: 2023-02-15. Review status: no assertion criteria provided. Collection method: clinical testing. Allele origin: germline.
Comment: This variant is classified as likely benign based on ACMG/AMP sequence variant interpretation guidelines (Richards et al. 2015 PMID: 25741868, with internal and published modifications).